The following is an entry in ClinVar:

NM_138295.5(PKD1L1):c.1878T>C (p.Phe626=)

Gene: PKD1L1 (polycystin 1 like 1, transient receptor potential channel interacting; minus strand). Cytogenetic location: 7p12.3.
Variant type: single nucleotide variant.
Coding change: c.1878T>C on transcript NM_138295.5 (MANE Select); coding-DNA position 1878, T replaced by C.
Protein change: p.Phe626=; no amino-acid change (phenylalanine 626 retained).
Molecular consequence: synonymous variant.
Genome position (GRCh38, 1-based): chr7:47,904,431, A>G on the plus strand (T>C on the coding strand, the complement: PKD1L1 is on the minus strand). VCF-style: chr7-47904431-A-G. GRCh37 (hg19) VCF-style: chr7-47944028-A-G.
Identifiers: ClinVar variation 3031199 (VCV003031199.2), dbSNP rs201485784, ClinGen allele CA4253940.

ClinVar aggregate classification (germline): Likely benign (0 of 4 stars; one submission).

Conditions:
PKD1L1-related disorder. Also called: PKD1L1-related condition.

Allele frequency attached by ClinVar (database versions not stated): ExAC 0.00001; gnomAD exomes 0.00001; gnomAD 0.00003; TOPMed 0.00010; 1000 Genomes Project 30x 0.00016; 1000 Genomes Project 0.00020.
gnomAD v4.1: 12 of 1,614,144 alleles (0.00074%); highest among the groups gnomAD compares: Admixed American, 0.015%; no homozygotes.

Submission:

PreventionGenetics, part of Exact Sciences
Classification: Likely benign for PKD1L1-related condition. Last evaluated: 2021-09-03. Review status: no assertion criteria provided. Collection method: clinical testing. Allele origin: germline.
Comment: This variant is classified as likely benign based on ACMG/AMP sequence variant interpretation guidelines (Richards et al. 2015 PMID: 25741868, with internal and published modifications).